The following is an entry in ClinVar:

NM_001122630.2(CDKN1C):c.398C>T (p.Pro133Leu)

Gene: CDKN1C (cyclin dependent kinase inhibitor 1C; minus strand). Cytogenetic location: 11p15.4.
Variant type: single nucleotide variant.
Coding change: c.398C>T on transcript NM_001122630.2 (MANE Select); coding-DNA position 398, C replaced by T.
Protein change: p.Pro133Leu; replaces proline 133 with leucine.
Molecular consequence: missense variant. On other transcripts: intron variant (1).
Genome position (GRCh38, 1-based): chr11:2,885,059, G>A on the plus strand (C>T on the coding strand, the complement: CDKN1C is on the minus strand). VCF-style: chr11-2885059-G-A. GRCh37 (hg19) VCF-style: chr11-2906289-G-A.
Other names: c.431C>T, p.Pro144Leu (NM_000076.2, NM_001362474.2); c.398C>T, p.Pro133Leu (NM_001122631.2); c.255+143C>T (NM_001362475.2); short protein forms P144L, P133L.
Identifiers: ClinVar variation 958494 (VCV000958494.9), dbSNP rs1848956315, ClinGen allele CA379146707.

ClinVar aggregate classification (germline): Uncertain significance (1 of 4 stars; one submission).

Conditions:
Beckwith-Wiedemann syndrome (BWS). Also called: Exomphalos macroglossia gigantism syndrome; EMG SYNDROME. Identifiers: Orphanet 116, MedGen C0004903, MONDO:0007534, OMIM 130650.

Allele frequency attached by ClinVar (database versions not stated): gnomAD exomes below 0.00001.
gnomAD v4.1: 1 of 1,349,674 alleles (0.000074%); highest among the groups gnomAD compares: South Asian, 0.0018%; no homozygotes.

Submission:

Labcorp Genetics (formerly Invitae), Labcorp
Classification: Uncertain significance for Beckwith-Wiedemann syndrome. Last evaluated: 2021-01-28. Review status: criteria provided, single submitter. Criteria: Invitae Variant Classification Sherloc (09022015). Collection method: clinical testing. Allele origin: germline.
Comment: In summary, the available evidence is currently insufficient to determine the role of this variant in disease. Therefore, it has been classified as a Variant of Uncertain Significance. This variant has not been reported in the literature in individuals with CDKN1C-related conditions. The frequency data for this variant in the population databases is considered unreliable, as metrics indicate insufficient coverage at this position in the ExAC database. This sequence change replaces proline with leucine at codon 144 of the CDKN1C protein (p.Pro144Leu). The proline residue is highly conserved and there is a moderate physicochemical difference between proline and leucine.